The following is an entry in ClinVar:

ClinVar aggregate classification (germline): Uncertain significance (1 of 4 stars; one submission).

Conditions:
Hereditary spastic paraplegia 11. Also called: SPASTIC PARAPLEGIA, AUTOSOMAL RECESSIVE, COMPLICATED, WITH THIN CORPUS CALLOSUM; SPASTIC PARAPLEGIA, AUTOSOMAL RECESSIVE, WITH MENTAL IMPAIRMENT AND THIN CORPUS CALLOSUM; Spastic Paraplegia 11; Nakamura Osame syndrome; Autosomal recessive hereditary spastic paraplegia, mental impairment, and thin corpus callosum; Spastic paraplegia, mental retardation and thin corpus callosum. Identifiers: Orphanet 2822, MedGen C1858479, MONDO:0011445, OMIM 604360.

Submission:

Labcorp Genetics (formerly Invitae), Labcorp
Classification: Uncertain significance for Hereditary spastic paraplegia 11. Last evaluated: 2021-12-02. Review status: criteria provided, single submitter. Criteria: Invitae Variant Classification Sherloc (09022015). Collection method: clinical testing. Allele origin: germline.
Comment: In summary, the available evidence is currently insufficient to determine the role of this variant in disease. Therefore, it has been classified as a Variant of Uncertain Significance. This variant disrupts a region of the SPG11 protein in which other variant(s) (p.Asn2397Thr) have been observed in individuals with SPG11-related conditions (PMID: 32989326). This suggests that this is a clinically significant region of the protein, and that variants that disrupt it are likely to be disease-causing. Experimental studies and prediction algorithms are not available or were not evaluated, and the functional significance of this variant is currently unknown. This variant has not been reported in the literature in individuals affected with SPG11-related conditions. This variant is not present in population databases (gnomAD no frequency). This sequence change creates a premature translational stop signal (p.Thr2391Tyrfs*2) in the SPG11 gene. While this is not anticipated to result in nonsense mediated decay, it is expected to disrupt the last 53 amino acid(s) of the SPG11 protein.

Literature cited by the submitters: PubMed 32989326.

NM_025137.4(SPG11):c.7169dup (p.Thr2391fs)

Gene: SPG11 (SPG11 vesicle trafficking associated, spatacsin; minus strand). Cytogenetic location: 15q21.1.
Variant type: Duplication.
Coding change: c.7169dup on transcript NM_025137.4 (MANE Select); coding-DNA position 7169, one base duplicated (C; older notation c.7169dupC).
Protein change: p.Thr2391fs; shifts the reading frame from threonine 2391.
Molecular consequence: frameshift variant.
Genome position (GRCh38, 1-based): chr15:44,563,284, G duplicated on the plus strand (C on the coding strand, the reverse complement: SPG11 is on the minus strand); the first of 2 consecutive G bases (chr15:44,563,284-44,563,285); duplicating either gives the same sequence. VCF-style (leftmost placement, unchanged base first): chr15-44563283-A-AG. GRCh37 (hg19) VCF-style: chr15-44855481-A-AG.
Other names: c.6830dup, p.Thr2278fs (NM_001160227.2); short protein forms T2278fs, T2391fs.
Identifiers: ClinVar variation 1357516 (VCV001357516.6), dbSNP rs2140908233, ClinGen allele CA2573150847.